The following is an entry in ClinVar:

ClinVar aggregate classification (germline): Benign. Review status: criteria provided, multiple submitters, no conflicts (2 of 4 stars). 12 submissions from 12 submitters: Benign (9). 3 of the submissions do not count toward it. Last evaluated 2026-02-04.

Conditions:
Charcot-Marie-Tooth disease. Also called: Charcot-Marie-Tooth Neuropathy; Charcot-Marie-Tooth Hereditary Neuropathy. Identifiers: Orphanet 166, MedGen C0007959, MONDO:0015626.
Charcot-Marie-Tooth disease type 1C. Also called: CHARCOT-MARIE-TOOTH DISEASE, DEMYELINATING, TYPE 1C; CMT, SLOW NERVE CONDUCTION TYPE C; HMSN IC; CHARCOT-MARIE-TOOTH NEUROPATHY, TYPE 1C; NEUROPATHY, HEREDITARY MOTOR AND SENSORY, TYPE IC; Charcot-Marie-Tooth disease, type IC. Identifiers: Orphanet 101083, MedGen C0270913, MONDO:0010995, OMIM 601098.

Allele frequency attached by ClinVar (database versions not stated): 1000 Genomes Project 30x 0.10259; 1000 Genomes Project 0.10264; TOPMed 0.14990; gnomAD 0.15712 and 0.15945; ExAC 0.16237; ESP Exome Variant Server 0.16538; gnomAD exomes 0.16575.
gnomAD v4.1: 316,180 of 1,613,820 alleles (20%); highest among the groups gnomAD compares: Non-Finnish European, 22%; 33,324 homozygotes.

Submissions (12):

Labcorp Genetics (formerly Invitae), Labcorp
Classification: Benign for Charcot-Marie-Tooth disease type 1C. Last evaluated: 2026-02-04. Review status: criteria provided, single submitter. Criteria: Invitae Variant Classification Sherloc (09022015). Collection method: clinical testing. Allele origin: germline.

ARUP Laboratories, Molecular Genetics and Genomics, ARUP Laboratories
Classification: Benign for Charcot-Marie-Tooth disease type 1C. Last evaluated: 2025-07-18. Review status: criteria provided, single submitter. Criteria: ARUP Molecular Germline Variant Investigation Process 2024. Collection method: clinical testing. Allele origin: germline.

Illumina Laboratory Services, Illumina
Classification: Benign for Charcot-Marie-Tooth disease type 1C. Last evaluated: 2018-01-13. Review status: criteria provided, single submitter. Criteria: ICSL Variant Classification Criteria 13 December 2019. Collection method: clinical testing. Allele origin: germline.
Comment: This variant was observed in the ICSL laboratory as part of a predisposition screen in an ostensibly healthy population. It had not been previously curated by ICSL or reported in the Human Gene Mutation Database (HGMD: prior to June 1st, 2018), and was therefore a candidate for classification through an automated scoring system. Utilizing variant allele frequency, disease prevalence and penetrance estimates, and inheritance mode, an automated score was calculated to assess if this variant is too frequent to cause the disease. Based on the score and internal cut-off values, a variant classified as benign is not then subjected to further curation. The score for this variant resulted in a classification of benign for this disease.

Athena Diagnostics
Classification: Benign for Charcot-Marie-Tooth disease type 1C. Last evaluated: 2017-04-27. Review status: criteria provided, single submitter. Criteria: Athena Diagnostics Criteria. Collection method: clinical testing. Allele origin: germline.

Eurofins Ntd Llc (ga)
Classification: Benign. Last evaluated: 2017-03-01. Review status: criteria provided, single submitter. Criteria: EGL Classification Definitions 2015. Collection method: clinical testing. Allele origin: germline. Observed: 1 variant allele, 1 heterozygote.

Mayo Clinic Laboratories, Mayo Clinic
Classification: Benign. Last evaluated: 2016-04-01. Review status: criteria provided, single submitter. Criteria: ACMG Guidelines, 2015. Collection method: clinical testing. Allele origin: germline. Observed: 731 variant alleles.

GeneDx
Classification: Benign. Last evaluated: 2015-03-03. Review status: criteria provided, single submitter. Criteria: GeneDx Variant Classification Process June 2021. Collection method: clinical testing. Allele origin: germline. Affected: yes.
Comment: This variant is associated with the following publications: (PMID: 25342198, 24668782)

Breakthrough Genomics
Classification: Benign. Review status: criteria provided, single submitter. Criteria: ACMG Guidelines, 2015. Collection method: not provided. Allele origin: germline. Inheritance: Autosomal dominant inheritance. Affected: yes.

Molecular Genetics Laboratory, London Health Sciences Centre
Classification: Benign for Charcot-Marie-Tooth disease. Review status: criteria provided, single submitter. Criteria: ACMG Guidelines, 2015. Collection method: clinical testing. Allele origin: germline. Affected: yes.

Clinical Genetics, Academic Medical Center
Classification: Benign. Review status: no assertion criteria provided. Collection method: clinical testing. Allele origin: germline. Affected: yes. Study: VKGL Data-share Consensus. Not counted in ClinVar's aggregate classification.

Diagnostic Laboratory, Department of Genetics, University Medical Center Groningen
Classification: Benign for Charcot-Marie-Tooth disease type 1C. Review status: no assertion criteria provided. Collection method: clinical testing. Allele origin: germline. Affected: yes. Study: VKGL Data-share Consensus. Not counted in ClinVar's aggregate classification.

Inherited Neuropathy Consortium
Classification: Uncertain significance for Charcot-Marie-Tooth disease. Review status: no assertion criteria provided. Collection method: literature only. Allele origin: germline. Affected: yes. Not counted in ClinVar's aggregate classification.

Literature cited by the submitters: PubMed 25342198 (cited by Athena Diagnostics); PubMed 15776420 (cited by Inherited Neuropathy Consortium).

NM_001136472.2(LITAF):c.274A>G (p.Ile92Val)

Gene: LITAF (lipopolysaccharide induced TNF factor; minus strand). Cytogenetic location: 16p13.13.
Variant type: single nucleotide variant.
Coding change: c.274A>G on transcript NM_001136472.2 (MANE Select); coding-DNA position 274, A replaced by G.
Protein change: p.Ile92Val; replaces isoleucine 92 with valine.
Molecular consequence: missense variant. On other transcripts: non-coding transcript variant (1).
Genome position (GRCh38, 1-based): chr16:11,553,636, T>C on the plus strand (A>G on the coding strand, the complement: LITAF is on the minus strand). VCF-style: chr16-11553636-T-C. GRCh37 (hg19) VCF-style: chr16-11647492-T-C.
Other names: c.274A>G, p.Ile92Val (NM_001136473.1, NM_004862.4); short protein forms I92V.
Identifiers: ClinVar variation 317782 (VCV000317782.39), dbSNP rs4280262, ClinGen allele CA7904093.